The following is an entry in ClinVar:

ClinVar aggregate classification (germline): Pathogenic (1 of 4 stars; one submission).

Conditions:
Glycine encephalopathy. Also called: Nonketotic hyperglycinemia; Non-ketotic hyperglycinemia. Identifiers: Orphanet 407, MedGen C0751748, MONDO:0011612, HP:0008288.

Submission:

Labcorp Genetics (formerly Invitae), Labcorp
Classification: Pathogenic for Glycine encephalopathy. Last evaluated: 2023-12-03. Review status: criteria provided, single submitter. Criteria: Invitae Variant Classification Sherloc (09022015). Collection method: clinical testing. Allele origin: unknown.
Comment: This variant is a gross deletion of the genomic region encompassing exon(s) 12-16 of the GLDC gene. This variant would be expected to be in-frame, preserving the integrity of the reading frame. This variant has not been reported in the literature in individuals affected with GLDC-related conditions. This variant disrupts a region of the GLDC protein in which other variant(s) (p.Arg630Pro) have been determined to be pathogenic (PMID: 26179960; Invitae). This suggests that this is a clinically significant region of the protein, and that variants that disrupt it are likely to be disease-causing. For these reasons, this variant has been classified as Pathogenic.

Literature cited by the submitters: PubMed 26179960.

NC_000009.11:g.(?_6565334)_(6589312_?)del

Gene: GLDC (glycine decarboxylase; minus strand). Cytogenetic location: 9p24.1.
Variant type: Deletion.
Identifiers: ClinVar variation 3245149 (VCV003245149.1).